The following is an entry in ClinVar:

ClinVar aggregate classification (germline): Conflicting classifications of pathogenicity. Review status: criteria provided, conflicting classifications (1 of 4 stars). 3 submissions from 3 submitters: Uncertain significance (1); Likely benign (2). Last evaluated 2025-12-15.

Conditions:
Cardiovascular phenotype. Identifiers: MedGen CN230736.
Dilated cardiomyopathy 1G (CMD1G). Identifiers: Orphanet 154, MedGen C1858763, MONDO:0011400, OMIM 604145.
Autosomal recessive limb-girdle muscular dystrophy type 2J (LGMDR10). Also called: Limb-girdle muscular dystrophy, type 2J; MUSCULAR DYSTROPHY, LIMB-GIRDLE, AUTOSOMAL RECESSIVE 10. Identifiers: Orphanet 140922, MedGen C1837342, MONDO:0012127, OMIM 608807.

gnomAD v4.1: 6 of 1,614,170 alleles (0.00037%); highest among the groups gnomAD compares: Non-Finnish European, 0.00042%; no homozygotes.

Submissions (3):

Ambry Genetics
Classification: Uncertain significance for Cardiovascular phenotype. Last evaluated: 2025-12-15. Review status: criteria provided, single submitter. Criteria: Ambry Variant Classification Scheme 2023. Collection method: clinical testing. Allele origin: germline.
Comment: The c.151C>T variant (also known as p.L51L), located in coding exon 2 of the TTN gene, results from a C to T substitution at nucleotide position 151. This nucleotide substitution does not change the amino acid at codon 51. This nucleotide position is highly conserved in available vertebrate species. In silico splice site analysis for this alteration is inconclusive. Based on the available evidence, the clinical significance of this variant remains unclear.

Labcorp Genetics (formerly Invitae), Labcorp
Classification: Likely benign for Dilated cardiomyopathy 1G; Autosomal recessive limb-girdle muscular dystrophy type 2J. Last evaluated: 2023-02-11. Review status: criteria provided, single submitter. Criteria: Invitae Variant Classification Sherloc (09022015). Collection method: clinical testing. Allele origin: germline.

Laboratory for Molecular Medicine, Mass General Brigham Personalized Medicine
Classification: Likely benign. Last evaluated: 2011-11-30. Review status: criteria provided, single submitter. Criteria: LMM Criteria. Collection method: clinical testing. Allele origin: germline. Observed: 1 variant allele.
Comment: This variant is not expected to have clinical significance because it does not a lter an amino acid residue and is not located near a splice junction.

NM_001267550.2(TTN):c.151C>T (p.Leu51=)

Gene: TTN (titin; minus strand). Cytogenetic location: 2q31.2.
Variant type: single nucleotide variant.
Coding change: c.151C>T on transcript NM_001267550.2 (MANE Select); coding-DNA position 151, C replaced by T.
Protein change: p.Leu51=; no amino-acid change (leucine 51 retained).
Molecular consequence: synonymous variant.
Genome position (GRCh38, 1-based): chr2:178,802,282, G>A on the plus strand (C>T on the coding strand, the complement: TTN is on the minus strand). VCF-style: chr2-178802282-G-A. GRCh37 (hg19) VCF-style: chr2-179667009-G-A.
Other names: c.151C>T, p.Leu51= (NM_133378.4, NM_001256850.1, NM_003319.4 and 3 more transcripts).
Identifiers: ClinVar variation 46650 (VCV000046650.15), dbSNP rs397517489, ClinGen allele CA138862.
Genomic context (GRCh38, chr2:178,802,282, plus strand): 5'-TCACGGCGGGGATCGTCAGTTTAGCGCGGCCATCGCTAAAGGAGATCTGCACGCCGGGCA[G>A]AGTGGAAGTGGAAATCACCTGGCCATCCCTAAACCAGCTCACCTCAGGAACTGGAAAACC-3'
Protein context (NP_001254479.2, residues 41-61): RDGQVISTST[Leu51=]PGVQISFSDG